The following is an entry in ClinVar:

ClinVar aggregate classification (germline): Pathogenic (1 of 4 stars; one submission).

Conditions:
Gastrointestinal stromal tumor. Also called: Gastrointestinal stromal tumor, somatic; Gastrointestinal stroma tumor. Identifiers: Orphanet 44890, MedGen C0238198, MeSH D046152, MONDO:0011719, OMIM 606764, HP:0100723.
Pheochromocytoma/paraganglioma syndrome 4. Also called: CAROTID BODY TUMORS AND MULTIPLE EXTRAADRENAL PHEOCHROMOCYTOMAS; SDHB-Related Hereditary Paraganglioma-Pheochromocytoma Syndrome; Paragangliomas 4; SDHB-Related Hereditary Paraganglioma-Pheochromocytoma Syndrome (Paragangliomas 4); PARAGANGLIOMA, FAMILIAL MALIGNANT; PARAGANGLIOMAS, HEREDITARY EXTRAADRENAL. Identifiers: Orphanet 29072, MedGen C1861848, MONDO:0007273, OMIM 115310.
Pheochromocytoma. Also called: MAX-Related Hereditary Paraganglioma-Pheochromocytoma Syndrome. Identifiers: Orphanet 29072, MedGen C0031511, MONDO:0008233, OMIM 171300, HP:0002666.

Submission:

Labcorp Genetics (formerly Invitae), Labcorp
Classification: Pathogenic for Gastrointestinal stromal tumor; Pheochromocytoma/paraganglioma syndrome 4; Pheochromocytoma. Last evaluated: 2021-08-27. Review status: criteria provided, single submitter. Criteria: Invitae Variant Classification Sherloc (09022015). Collection method: clinical testing. Allele origin: germline.
Comment: For these reasons, this variant has been classified as Pathogenic. This variant disrupts the C-terminus of the SDHB protein. Other variant(s) that disrupt this region (p.Ile263Serfs*13) have been determined to be pathogenic (Invitae). This suggests that variants that disrupt this region of the protein are likely to be causative of disease. This variant has not been reported in the literature in individuals with SDHB-related conditions. This variant results in the deletion of part of exon 7 (c.761_765+33del) of the SDHB gene. While this is not anticipated to result in nonsense mediated decay, it likely alters RNA splicing and results in a disrupted protein product.

NM_003000.3(SDHB):c.761_765+33del

Gene: SDHB (succinate dehydrogenase complex iron sulfur subunit B; minus strand). Cytogenetic location: 1p36.13.
Variant type: Deletion.
Coding change: c.761_765+33del on transcript NM_003000.3 (MANE Select); coding-DNA position 761 through 33 bases into the intron after coding-DNA position 765, 38 bases deleted.
Molecular consequence: splice donor variant.
Genome position (GRCh38, 1-based): chr1:17,022,575-17,022,612, 38 bases deleted; deleting any 38 consecutive bases within chr1:17,022,575-17,022,614 gives the same sequence; the c. name uses the placement nearest the transcript's 3' end. GRCh37 (hg19): chr1:17,349,072-17,349,109.
Identifiers: ClinVar variation 963664 (VCV000963664.5), dbSNP rs2077967597, ClinGen allele CA1139655458.